The following is an entry in ClinVar:

NM_001286.5(CLCN6):c.256G>A (p.Ala86Thr)

Gene: CLCN6 (chloride voltage-gated channel 6; plus strand). Cytogenetic location: 1p36.22.
Variant type: single nucleotide variant.
Coding change: c.256G>A on transcript NM_001286.5 (MANE Select); coding-DNA position 256, G replaced by A.
Protein change: p.Ala86Thr; replaces alanine 86 with threonine.
Molecular consequence: missense variant. On other transcripts: non-coding transcript variant (1).
Genome position (GRCh38, 1-based): chr1:11,816,657, G>A. VCF-style: chr1-11816657-G-A. GRCh37 (hg19) VCF-style: chr1-11876714-G-A.
Other names: c.190G>A, p.Ala64Thr (NM_001256959.2); short protein forms A64T, A86T.
Identifiers: ClinVar variation 3648875 (VCV003648875.2).
Genomic context (GRCh38, chr1:11,816,657, plus strand): 5'-CTTTTCCTGTGTGAACAGAAAGGTCGAAGATATGAGGCGGTGAAGTGGATGGTGGTGTTT[G>A]CCATTGGAGTCTGCACTGGCCTGGTGAGGAGGCAGGGCCTGGAGGGATGGTGGGCCATAG-3'
Protein context (NP_001277.2, residues 76-96): YEAVKWMVVF[Ala86Thr]IGVCTGLVGL

ClinVar aggregate classification (germline): Uncertain significance (1 of 4 stars; one submission).

Submission:

Labcorp Genetics (formerly Invitae), Labcorp
Classification: Uncertain significance. Last evaluated: 2024-04-05. Review status: criteria provided, single submitter. Criteria: Invitae Variant Classification Sherloc (09022015). Collection method: clinical testing. Allele origin: germline.
Comment: This sequence change replaces alanine, which is neutral and non-polar, with threonine, which is neutral and polar, at codon 86 of the CLCN6 protein (p.Ala86Thr). This variant is not present in population databases (gnomAD no frequency). This variant has not been reported in the literature in individuals affected with CLCN6-related conditions. An algorithm developed to predict the effect of missense changes on protein structure and function (PolyPhen-2) suggests that this variant is likely to be tolerated. In summary, the available evidence is currently insufficient to determine the role of this variant in disease. Therefore, it has been classified as a Variant of Uncertain Significance.